The following is an entry in ClinVar:

ClinVar aggregate classification (germline): Uncertain significance (1 of 4 stars; one submission).

Submission:

GeneDx
Classification: Uncertain significance. Last evaluated: 2024-01-23. Review status: criteria provided, single submitter. Criteria: GeneDx Variant Classification Process June 2021. Collection method: clinical testing. Allele origin: germline. Affected: yes.
Comment: Not observed at significant frequency in large population cohorts (gnomAD); In silico analysis supports that this missense variant has a deleterious effect on protein structure/function; Has not been previously published as pathogenic or benign to our knowledge

NM_170606.3(KMT2C):c.9843G>A (p.Met3281Ile)

Gene: KMT2C (lysine methyltransferase 2C; minus strand). Cytogenetic location: 7q36.1.
Variant type: single nucleotide variant.
Coding change: c.9843G>A on transcript NM_170606.3 (MANE Select); coding-DNA position 9843, G replaced by A.
Protein change: p.Met3281Ile; replaces methionine 3281 with isoleucine.
Molecular consequence: missense variant.
Genome position (GRCh38, 1-based): chr7:152,163,734, C>T on the plus strand (G>A on the coding strand, the complement: KMT2C is on the minus strand). VCF-style: chr7-152163734-C-T. GRCh37 (hg19) VCF-style: chr7-151860819-C-T.
Other names: short protein forms M3281I.
Identifiers: ClinVar variation 3368320 (VCV003368320.1).